The following is an entry in ClinVar:

ClinVar aggregate classification (germline): Uncertain significance (1 of 4 stars; one submission).

Allele frequency attached by ClinVar (database versions not stated): gnomAD exomes 0.00001; gnomAD 0.00002; TOPMed 0.00003.
gnomAD v4.1: 17 of 1,614,060 alleles (0.0011%); highest among the groups gnomAD compares: African/African-American, 0.0027%; no homozygotes.

Submission:

Labcorp Genetics (formerly Invitae), Labcorp
Classification: Uncertain significance. Last evaluated: 2022-05-26. Review status: criteria provided, single submitter. Criteria: Invitae Variant Classification Sherloc (09022015). Collection method: clinical testing. Allele origin: germline.
Comment: This sequence change replaces arginine, which is basic and polar, with histidine, which is basic and polar, at codon 693 of the PLCE1 protein (p.Arg693His). This variant is present in population databases (no rsID available, gnomAD 0.007%). This variant has not been reported in the literature in individuals affected with PLCE1-related conditions. Algorithms developed to predict the effect of missense changes on protein structure and function are either unavailable or do not agree on the potential impact of this missense change (SIFT: "Deleterious"; PolyPhen-2: "Probably Damaging"; Align-GVGD: "Class C0"). In summary, the available evidence is currently insufficient to determine the role of this variant in disease. Therefore, it has been classified as a Variant of Uncertain Significance.

NM_016341.4(PLCE1):c.2078G>A (p.Arg693His)

Gene: PLCE1 (phospholipase C epsilon 1; plus strand). Cytogenetic location: 10q23.33.
Variant type: single nucleotide variant.
Coding change: c.2078G>A on transcript NM_016341.4 (MANE Select); coding-DNA position 2078, G replaced by A.
Protein change: p.Arg693His; replaces arginine 693 with histidine.
Molecular consequence: missense variant.
Genome position (GRCh38, 1-based): chr10:94,234,176, G>A. VCF-style: chr10-94234176-G-A. GRCh37 (hg19) VCF-style: chr10-95993933-G-A.
Other names: c.1154G>A, p.Arg385His (NM_001165979.2); c.2078G>A, p.Arg693His (NM_001288989.2); short protein forms R385H, R693H.
Identifiers: ClinVar variation 1918968 (VCV001918968.2), dbSNP rs866040967, ClinGen allele CA211598835.